The following is an entry in ClinVar:

ClinVar aggregate classification (germline): Pathogenic (1 of 4 stars; one submission).

Submission:

Labcorp Genetics (formerly Invitae), Labcorp
Classification: Pathogenic. Last evaluated: 2024-09-21. Review status: criteria provided, single submitter. Criteria: Invitae Variant Classification Sherloc (09022015). Collection method: clinical testing. Allele origin: germline.
Comment: This sequence change creates a premature translational stop signal (p.Arg59*) in the RORB gene. It is expected to result in an absent or disrupted protein product. Loss-of-function variants in RORB are known to be pathogenic (PMID: 27352968). This variant is not present in population databases (gnomAD no frequency). This variant has not been reported in the literature in individuals affected with RORB-related conditions. For these reasons, this variant has been classified as Pathogenic.

Literature cited by the submitters: PubMed 27352968.

NM_006914.4(RORB):c.175A>T (p.Arg59Ter)

Gene: RORB (RAR related orphan receptor B; plus strand). Cytogenetic location: 9q21.13.
Variant type: single nucleotide variant.
Coding change: c.175A>T on transcript NM_006914.4 (MANE Select); coding-DNA position 175, A replaced by T.
Protein change: p.Arg59Ter; replaces arginine 59 with a stop codon.
Molecular consequence: nonsense.
Genome position (GRCh38, 1-based): chr9:74,634,712, A>T. VCF-style: chr9-74634712-A-T. GRCh37 (hg19) VCF-style: chr9-77249628-A-T.
Other names: c.208A>T, p.Arg70Ter (NM_001365023.1); short protein forms R59*, R70*.
Identifiers: ClinVar variation 3721234 (VCV003721234.2).
Genomic context (GRCh38, chr9:74,634,712, plus strand): 5'-CAGAACAATGCTTCTTATTCCTGCCCAAGGCAGAGAAACTGTTTAATTGACAGAACGAAC[A>T]GAAACCGTTGCCAACACTGCCGACTGCAGAAGTGTCTTGCCCTAGGAATGTCAAGAGATG-3'